The following is an entry in ClinVar:

NC_012920.1(MT-TP):m.15978C>T

Gene: MT-TP (mitochondrially encoded tRNA proline; minus strand).
Variant type: single nucleotide variant.
Genome position: chrM-15978-C-T.
Identifiers: ClinVar variation 690265 (VCV000690265.1), dbSNP rs201041059, ClinGen allele CA337100622.

ClinVar aggregate classification (germline): Benign (1 of 4 stars; one submission).

Conditions:
MELAS syndrome (MELAS). Also called: Juvenile myopathy, encephalopathy, lactic acidosis, stroke. Identifiers: Orphanet 550, MedGen C0162671, MONDO:0010789, OMIM 540000.

Submission:

Wong Mito Lab, Molecular and Human Genetics, Baylor College of Medicine
Classification: Benign for MELAS syndrome. Last evaluated: 2019-07-12. Review status: criteria provided, single submitter. Criteria: Modified ACMG Guidelines (Unpublished). Collection method: clinical testing. Allele origin: germline.
Comment: The NC_012920.1:m.15978C>T variant in MT-TP gene is interpreted to be a Benign variant based on the modified ACMG guidelines (unpublished). This variant meets the following evidence codes reported in the guidelines: BS1, BS2, BP4

Literature cited by the submitters: PubMed 31965079.